The following is an entry in ClinVar:

NM_003924.4(PHOX2B):c.743C>A (p.Ala248Glu)

Genes: PHOX2B (paired like homeobox 2B; minus strand), LOC110011216 (paired like homeobox 2b polyalanine repeat instability region; plus strand). Cytogenetic location: 4p13.
Variant type: single nucleotide variant.
Coding change: c.743C>A on transcript NM_003924.4 (MANE Select); coding-DNA position 743, C replaced by A.
Protein change: p.Ala248Glu; replaces alanine 248 with glutamic acid.
Molecular consequence: missense variant.
Genome position (GRCh38, 1-based): chr4:41,746,009, G>T on the plus strand (C>A on the coding strand, the complement: PHOX2B is on the minus strand). VCF-style: chr4-41746009-G-T. GRCh37 (hg19) VCF-style: chr4-41748026-G-T.
Other names: c.743C>A (NM_003924.3); short protein forms A248E.
Identifiers: ClinVar variation 1517055 (VCV001517055.7), dbSNP rs1733881041, ClinGen allele CA356737216.

ClinVar aggregate classification (germline): Uncertain significance. Review status: criteria provided, multiple submitters, no conflicts (2 of 4 stars). 2 submissions from 2 submitters: Uncertain significance (2). Last evaluated 2024-10-24.

Conditions:
Hereditary cancer-predisposing syndrome. Also called: Tumor predisposition; Neoplastic Syndromes, Hereditary; Hereditary neoplastic syndrome; Hereditary Cancer Syndrome. Identifiers: Orphanet 140162, MedGen C0027672, MeSH D009386, MONDO:0015356.
Haddad syndrome (OHD). Also called: Ondine-Hirschsprung disease. Identifiers: MedGen C1859049, MONDO:0020493, Orphanet 99803.

Submissions (2):

Ambry Genetics
Classification: Uncertain significance for Hereditary cancer-predisposing syndrome. Last evaluated: 2024-10-24. Review status: criteria provided, single submitter. Criteria: Ambry Variant Classification Scheme 2023. Collection method: clinical testing. Allele origin: germline.
Comment: The p.A248E variant (also known as c.743C>A), located in coding exon 3 of the PHOX2B gene, results from a C to A substitution at nucleotide position 743. The alanine at codon 248 is replaced by glutamic acid, an amino acid with dissimilar properties. This amino acid position is conserved. In addition, the in silico prediction for this alteration is inconclusive. Based on the available evidence, the clinical significance of this variant remains unclear.

Labcorp Genetics (formerly Invitae), Labcorp
Classification: Uncertain significance for Haddad syndrome. Last evaluated: 2023-09-01. Review status: criteria provided, single submitter. Criteria: Invitae Variant Classification Sherloc (09022015). Collection method: clinical testing. Allele origin: germline.
Comment: In summary, the available evidence is currently insufficient to determine the role of this variant in disease. Therefore, it has been classified as a Variant of Uncertain Significance. Experimental studies and prediction algorithms are not available or were not evaluated, and the functional significance of this variant is currently unknown. ClinVar contains an entry for this variant (Variation ID: 1517055). This variant has not been reported in the literature in individuals affected with PHOX2B-related conditions. This variant is not present in population databases (gnomAD no frequency). This sequence change replaces alanine, which is neutral and non-polar, with glutamic acid, which is acidic and polar, at codon 248 of the PHOX2B protein (p.Ala248Glu).